The following is an entry in ClinVar:

NM_001267550.2(TTN):c.51901G>T (p.Val17301Phe)

Genes: TTN (titin; minus strand), TTN-AS1 (TTN antisense RNA 1; plus strand). Cytogenetic location: 2q31.2.
Variant type: single nucleotide variant.
Coding change: c.51901G>T on transcript NM_001267550.2 (MANE Select); coding-DNA position 51901, G replaced by T.
Protein change: p.Val17301Phe; replaces valine 17301 with phenylalanine.
Molecular consequence: missense variant.
Genome position (GRCh38, 1-based): chr2:178,609,409, C>A on the plus strand (G>T on the coding strand, the complement: TTN is on the minus strand). VCF-style: chr2-178609409-C-A. GRCh37 (hg19) VCF-style: chr2-179474136-C-A.
Other names: c.46978G>T, p.Val15660Phe (NM_001256850.1); c.24706G>T, p.Val8236Phe (NM_003319.4); c.44197G>T, p.Val14733Phe (NM_133378.4); c.25081G>T, p.Val8361Phe (NM_133432.3); c.25282G>T, p.Val8428Phe (NM_133437.4); short protein forms V14733F, V15660F, V17301F, V8236F, V8361F, V8428F.
Identifiers: ClinVar variation 1315145 (VCV001315145.2), dbSNP rs775005250, ClinGen allele CA349579407.
Genomic context (GRCh38, chr2:178,609,409, plus strand): 5'-GCTGTGTCAGAGGCAGGACAAATGGTTCTTCTTCTTGAACTTCACCCTTCCTTCTCCTAA[C>A]CAAGGGTGCTGCACGCTTCTTAATTTCCTCTGGTACAATAACATTTTCATCCTTTATCCA-3'
Protein context (NP_001254479.2, residues 17291-17311): EEIKKRAAPL[Val17301Phe]RRRKGEVQEE

ClinVar aggregate classification (germline): Uncertain significance (1 of 4 stars; one submission).

Submission:

GeneDx
Classification: Uncertain significance. Last evaluated: 2020-02-05. Review status: criteria provided, single submitter. Criteria: GeneDx Variant Classification Process June 2021. Collection method: clinical testing. Allele origin: germline. Affected: yes.
Comment: Not observed at a significant frequency in large population cohorts (Lek et al., 2016); Missense variant in a gene in which most reported pathogenic variants are truncating/loss-of-function; Has not been previously published as pathogenic or benign to our knowledge